The following is an entry in ClinVar:

NM_000384.3(APOB):c.7969C>A (p.His2657Asn)

Gene: APOB (apolipoprotein B; minus strand). Cytogenetic location: 2p24.1.
Variant type: single nucleotide variant.
Coding change: c.7969C>A on transcript NM_000384.3 (MANE Select); coding-DNA position 7969, C replaced by A.
Protein change: p.His2657Asn; replaces histidine 2657 with asparagine.
Molecular consequence: missense variant.
Genome position (GRCh38, 1-based): chr2:21,008,899, G>T on the plus strand (C>A on the coding strand, the complement: APOB is on the minus strand). VCF-style: chr2-21008899-G-T. GRCh37 (hg19) VCF-style: chr2-21231771-G-T.
Other names: short protein forms H2657N.
Identifiers: ClinVar variation 3415874 (VCV003415874.1).

ClinVar aggregate classification (germline): Uncertain significance (1 of 4 stars; one submission).

Conditions:
Cardiovascular phenotype. Identifiers: MedGen CN230736.

Submission:

Ambry Genetics
Classification: Uncertain significance for Cardiovascular phenotype. Last evaluated: 2024-08-25. Review status: criteria provided, single submitter. Criteria: Ambry Variant Classification Scheme 2023. Collection method: clinical testing. Allele origin: germline.
Comment: The p.H2657N variant (also known as c.7969C>A), located in coding exon 26 of the APOB gene, results from a C to A substitution at nucleotide position 7969. The histidine at codon 2657 is replaced by asparagine, an amino acid with similar properties. This amino acid position is conserved. In addition, this alteration is predicted to be tolerated by in silico analysis. Based on the available evidence, the clinical significance of this variant remains unclear.